The following is an entry in ClinVar:

ClinVar aggregate classification (germline): Uncertain significance. Review status: criteria provided, multiple submitters, no conflicts (2 of 4 stars). 2 submissions from 2 submitters: Uncertain significance (2). Last evaluated 2026-01-02.

Conditions:
Fontaine progeroid syndrome. Also called: SLC25A24 Fontaine Progeroid Syndrome; Progeroid syndrome congenital Petty type; Petty Laxova Wiedemann syndrome; Gorlin-Chaudhry-Moss syndrome; CRANIOFACIAL DYSOSTOSIS, HYPERTRICHOSIS, HYPOPLASIA OF LABIA MAJORA, DENTAL AND EYE ANOMALIES, PATENT DUCTUS ARTERIOSUS, AND NORMAL INTELLIGENCE; Craniofacial dysostosis, patent ductus arteriosus, hypertrichosis, hypoplasia of labia majora, dental and eye anomalies. Identifiers: Orphanet 2095, MedGen C2676780, MONDO:0012853, OMIM 612289.

Submissions (2):

Dasa
Classification: Uncertain significance for Fontaine progeroid syndrome. Last evaluated: 2026-01-02. Review status: criteria provided, single submitter. Criteria: DASA Assertion Criteria. Collection method: clinical testing. Allele origin: germline.
Comment: NM_013386.5(SLC25A24):c.992C>G (p.Ala331Gly) is a missense variant that results in the substitution of alanine with glycine. This variant is rare in population databases. The currently available literature and clinical evidence are not sufficient to establish a definitive association between this variant and the reported condition. Therefore, this variant is classified as a variant of uncertain significance.

Labcorp Genetics (formerly Invitae), Labcorp
Classification: Uncertain significance. Last evaluated: 2025-02-03. Review status: criteria provided, single submitter. Criteria: Invitae Variant Classification Sherloc (09022015). Collection method: clinical testing. Allele origin: germline.
Comment: This sequence change replaces alanine, which is neutral and non-polar, with glycine, which is neutral and non-polar, at codon 331 of the SLC25A24 protein (p.Ala331Gly). This variant is present in population databases (no rsID available, gnomAD no frequency). This variant has not been reported in the literature in individuals affected with SLC25A24-related conditions. Invitae Evidence Modeling of protein sequence and biophysical properties (such as structural, functional, and spatial information, amino acid conservation, physicochemical variation, residue mobility, and thermodynamic stability) indicates that this missense variant is not expected to disrupt SLC25A24 protein function with a negative predictive value of 80%. In summary, the available evidence is currently insufficient to determine the role of this variant in disease. Therefore, it has been classified as a Variant of Uncertain Significance.

NM_013386.5(SLC25A24):c.992C>G (p.Ala331Gly)

Gene: SLC25A24 (solute carrier family 25 member 24; minus strand). Cytogenetic location: 1p13.3.
Variant type: single nucleotide variant.
Coding change: c.992C>G on transcript NM_013386.5 (MANE Select); coding-DNA position 992, C replaced by G.
Protein change: p.Ala331Gly; replaces alanine 331 with glycine.
Molecular consequence: missense variant.
Genome position (GRCh38, 1-based): chr1:108,143,649, G>C on the plus strand (C>G on the coding strand, the complement: SLC25A24 is on the minus strand). VCF-style: chr1-108143649-G-C. GRCh37 (hg19) VCF-style: chr1-108686271-G-C.
Other names: c.935C>G, p.Ala312Gly (NM_213651.3); short protein forms A312G, A331G.
Identifiers: ClinVar variation 3704576 (VCV003704576.4).